The following is an entry in ClinVar:

ClinVar aggregate classification (germline): Conflicting classifications of pathogenicity. Review status: criteria provided, conflicting classifications (1 of 4 stars). 5 submissions from 5 submitters: Uncertain significance (1); Likely benign (4). Last evaluated 2026-01-25.

Conditions:
Congenital myasthenic syndrome 13 (CMS13). Also called: Myasthenic syndrome, congenital, 13, with tubular aggregates; Myasthenic syndrome, congenital, with tubular aggregates 2. Identifiers: Orphanet 353327, Orphanet 590, MedGen C3553645, MONDO:0013883, OMIM 614750.
DPAGT1-congenital disorder of glycosylation. Also called: CONGENITAL DISORDER OF GLYCOSYLATION, TYPE Ij; DPAGT1-CDG; CDG Ij. Identifiers: Orphanet 86309, MedGen C2931004, MONDO:0011964, OMIM 608093.

Allele frequency attached by ClinVar (database versions not stated): 1000 Genomes Project 30x 0.00016; 1000 Genomes Project 0.00020; gnomAD 0.00032 and 0.00034; gnomAD exomes 0.00032 and 0.00047; TOPMed 0.00032; ExAC 0.00034; ESP Exome Variant Server 0.00054.
gnomAD v4.1: 732 of 1,614,120 alleles (0.045%); highest among the groups gnomAD compares: Non-Finnish European, 0.056%; no homozygotes.

Submissions (5):

Labcorp Genetics (formerly Invitae), Labcorp
Classification: Likely benign for Congenital myasthenic syndrome 13; DPAGT1-congenital disorder of glycosylation. Last evaluated: 2026-01-25. Review status: criteria provided, single submitter. Criteria: Invitae Variant Classification Sherloc (09022015). Collection method: clinical testing. Allele origin: germline.

Blueprint Genetics
Classification: Likely benign. Last evaluated: 2024-07-09. Review status: criteria provided, single submitter. Criteria: ACMG Guidelines, 2015. Collection method: clinical testing. Allele origin: germline.

Athena Diagnostics
Classification: Likely benign. Last evaluated: 2020-04-20. Review status: criteria provided, single submitter. Criteria: Athena Diagnostics Criteria. Collection method: clinical testing. Allele origin: unknown.

Illumina Laboratory Services, Illumina
Classification: Uncertain significance for DPAGT1-congenital disorder of glycosylation. Last evaluated: 2018-01-12. Review status: criteria provided, single submitter. Criteria: ICSL Variant Classification Criteria 13 December 2019. Collection method: clinical testing. Allele origin: germline.

GeneDx
Classification: Likely benign. Last evaluated: 2017-07-31. Review status: criteria provided, single submitter. Criteria: GeneDx Variant Classification (06012015). Collection method: clinical testing. Allele origin: germline. Affected: yes.
Comment: This variant is considered likely benign or benign based on one or more of the following criteria: it is a conservative change, it occurs at a poorly conserved position in the protein, it is predicted to be benign by multiple in silico algorithms, and/or has population frequency not consistent with disease.

NM_001382.4(DPAGT1):c.243C>T (p.Cys81=)

Genes: DPAGT1 (dolichyl-phosphate N-acetylglucosaminephosphotransferase 1; minus strand), LOC126861360 (BRD4-independent group 4 enhancer GRCh37_chr11:118972216-118973415; plus strand). Cytogenetic location: 11q23.3.
Variant type: single nucleotide variant.
Coding change: c.243C>T on transcript NM_001382.4 (MANE Select); coding-DNA position 243, C replaced by T.
Protein change: p.Cys81=; no amino-acid change (cysteine 81 retained).
Molecular consequence: synonymous variant.
Genome position (GRCh38, 1-based): chr11:119,101,057, G>A on the plus strand (C>T on the coding strand, the complement: DPAGT1 is on the minus strand). VCF-style: chr11-119101057-G-A. GRCh37 (hg19) VCF-style: chr11-118971767-G-A.
Identifiers: ClinVar variation 386721 (VCV000386721.17), dbSNP rs138519099, ClinGen allele CA6314687.